The following is an entry in ClinVar:

NM_004813.4(PEX16):c.740T>C (p.Leu247Pro)

Gene: PEX16 (peroxisomal biogenesis factor 16; minus strand). Cytogenetic location: 11p11.2.
Variant type: single nucleotide variant.
Coding change: c.740T>C on transcript NM_004813.4 (MANE Select); coding-DNA position 740, T replaced by C.
Protein change: p.Leu247Pro; replaces leucine 247 with proline.
Molecular consequence: missense variant.
Genome position (GRCh38, 1-based): chr11:45,914,158, A>G on the plus strand (T>C on the coding strand, the complement: PEX16 is on the minus strand). VCF-style: chr11-45914158-A-G. GRCh37 (hg19) VCF-style: chr11-45935709-A-G.
Other names: c.740T>C, p.Leu247Pro (NM_057174.3); short protein forms L247P.
Identifiers: ClinVar variation 1515474 (VCV001515474.8), dbSNP rs2086807248, ClinGen allele CA380226701.

ClinVar aggregate classification (germline): Uncertain significance (1 of 4 stars; one submission).

Conditions:
Peroxisome biogenesis disorder. Identifiers: Orphanet 79189, MedGen C1832200, MONDO:0019234. Disease mechanism: loss of function.

Submission:

Labcorp Genetics (formerly Invitae), Labcorp
Classification: Uncertain significance for Peroxisome biogenesis disorder. Last evaluated: 2021-03-10. Review status: criteria provided, single submitter. Criteria: Invitae Variant Classification Sherloc (09022015). Collection method: clinical testing. Allele origin: germline.
Comment: This sequence change replaces leucine with proline at codon 247 of the PEX16 protein (p.Leu247Pro). The leucine residue is moderately conserved and there is a moderate physicochemical difference between leucine and proline. This variant is not present in population databases (ExAC no frequency). This variant has not been reported in the literature in individuals with PEX16-related conditions. Algorithms developed to predict the effect of missense changes on protein structure and function are either unavailable or do not agree on the potential impact of this missense change (SIFT: "Deleterious"; PolyPhen-2: "Probably Damaging"; Align-GVGD: "Class C0"). In summary, the available evidence is currently insufficient to determine the role of this variant in disease. Therefore, it has been classified as a Variant of Uncertain Significance.